The following is an entry in ClinVar:

NC_000015.9:g.(?_89790879)_(89805129_?)del

Gene: FANCI (FA complementation group I; plus strand). Cytogenetic location: 15q26.1.
Variant type: Deletion.
Identifiers: ClinVar variation 3243702 (VCV003243702.1).

ClinVar aggregate classification (germline): Pathogenic (1 of 4 stars; one submission).

Conditions:
Fanconi anemia (FA). Also called: Fanconi's anemia. Identifiers: Orphanet 84, MedGen C0015625, MeSH D005199, MONDO:0019391.

Submission:

Labcorp Genetics (formerly Invitae), Labcorp
Classification: Pathogenic for Fanconi anemia. Last evaluated: 2023-03-18. Review status: criteria provided, single submitter. Criteria: Invitae Variant Classification Sherloc (09022015). Collection method: clinical testing. Allele origin: unknown.
Comment: For these reasons, this variant has been classified as Pathogenic. This variant has not been reported in the literature in individuals affected with FANCI-related conditions. This variant is a gross deletion of the genomic region encompassing exon(s) 2-6 of the FANCI gene, which includes the initiator codon. This deletion extends beyond the assayed region for this gene and therefore may encompass additional genes. It is expected to result in an absent or disrupted protein product. Loss-of-function variants in FANCI are known to be pathogenic (PMID: 17452773, 17460694).

Literature cited by the submitters: PubMed 17452773; PubMed 17460694.